The following is an entry in ClinVar:

NM_001009944.3(PKD1):c.1021G>A (p.Ala341Thr)

Gene: PKD1 (polycystin 1, transient receptor potential channel interacting; minus strand). Cytogenetic location: 16p13.3.
Variant type: single nucleotide variant.
Coding change: c.1021G>A on transcript NM_001009944.3 (MANE Select); coding-DNA position 1021, G replaced by A.
Protein change: p.Ala341Thr; replaces alanine 341 with threonine.
Molecular consequence: missense variant.
Genome position (GRCh38, 1-based): chr16:2,117,971, C>T on the plus strand (G>A on the coding strand, the complement: PKD1 is on the minus strand). VCF-style: chr16-2117971-C-T. GRCh37 (hg19) VCF-style: chr16-2167972-C-T.
Other names: c.1021G>A, p.Ala341Thr (NM_000296.4); short protein forms A341T.
Identifiers: ClinVar variation 997297 (VCV000997297.1), dbSNP rs2855337, ClinGen allele CA276783901.

ClinVar aggregate classification (germline): Benign (0 of 4 stars; one submission).

Conditions:
Polycystic kidney disease. Also called: Polycystic kidney dysplasia; Kidney, Polycystic. Identifiers: MedGen C0022680, MeSH D007690, MONDO:0020642, HP:0000113.

Allele frequency attached by ClinVar (database versions not stated): gnomAD exomes 0.00002; gnomAD 0.00004; TOPMed 0.00004.

Submission:

Department of Pathology and Laboratory Medicine, Sinai Health System
Classification: Benign for Polycystic Kidney disease. Review status: no assertion criteria provided. Collection method: clinical testing. Allele origin: unknown. Affected: yes. Study: The Canadian Open Genetics Repository (COGR).
Comment: The PKD1, p.Ala341Thr variant was not identified in the literature, nor was it identified in dbSNP, the 1000 Genomes Project, the NHLBI Exome Sequencing Project, the Exome Aggregation Consortium, GeneInsight COGR, ClinVar, Clinvitae, MutDB, ADPKD Mutation Database or PKD1-LOVD, or PKD1-LOVD 3.0. The p.Ala341 residue is not conserved across mammals and other organisms, and computational analyses (PolyPhen-2, SIFT, AlignGVGD, BLOSUM, MutationTaster) do not suggest a high likelihood of impact to the protein; however, this information is not predictive enough to rule out pathogenicity. The variant occurs outside of the splicing consensus sequence and in silico or computational prediction software programs (SpliceSiteFinder, MaxEntScan, NNSPLICE, GeneSplicer, HumanSpliceFinder) do not predict a difference in splicing. In summary, based on the above information this variant meets our laboratory criteria to be classified as benign.